The following is an entry in ClinVar:

NM_003072.5(SMARCA4):c.695_696insGGGCCC (p.229GP[9])

Gene: SMARCA4 (SWI/SNF related BAF chromatin remodeling complex subunit ATPase 4; plus strand). Cytogenetic location: 19p13.2.
Variant type: Insertion.
Coding change: c.695_696insGGGCCC on transcript NM_003072.5 (MANE Select); coding-DNA positions 695 to 696, GGGCCC inserted.
Protein change: p.229GP[9].
Molecular consequence: inframe insertion. On other transcripts: non-coding transcript variant (1).
Genome position: GRCh38 VCF-style: chr19-10986523-C-CGGCCCG. GRCh37 (hg19) VCF-style: chr19-11097199-C-CGGCCCG.
Other names: c.695_696insGGGCCC, p.229GP[9] (NM_001128844.3, NM_001128845.2, NM_001128846.2 and 5 more transcripts).
Identifiers: ClinVar variation 470450 (VCV000470450.16), dbSNP rs1555753627, ClinGen allele CA658656748.

ClinVar aggregate classification (germline): Conflicting classifications of pathogenicity. Review status: criteria provided, conflicting classifications (1 of 4 stars). 3 submissions from 3 submitters: Uncertain significance (1); Likely benign (2). Last evaluated 2026-07-06.

Conditions:
Hereditary cancer-predisposing syndrome. Also called: Tumor predisposition; Neoplastic Syndromes, Hereditary; Hereditary Cancer Syndrome; Hereditary neoplastic syndrome. Identifiers: Orphanet 140162, MedGen C0027672, MeSH D009386, MONDO:0015356.
Rhabdoid tumor predisposition syndrome 2 (RTPS2). Identifiers: Orphanet 231108, Orphanet 69077, MedGen C2750074, MONDO:0013224, OMIM 613325.

Submissions (3):

Myriad Genetics, Inc.
Classification: Likely benign for Rhabdoid tumor predisposition syndrome 2. Last evaluated: 2026-07-06. Review status: criteria provided, single submitter. Criteria: Myriad Autosomal Dominant, Autosomal Recessive and X-Linked Classification Criteria (2023). Collection method: clinical testing. Allele origin: unknown.
Comment: This variant is considered likely benign. This variant has been observed at a population frequency that is significantly greater than expected given the associated disease prevalence and penetrance.

Labcorp Genetics (formerly Invitae), Labcorp
Classification: Uncertain significance for Rhabdoid tumor predisposition syndrome 2. Last evaluated: 2024-04-27. Review status: criteria provided, single submitter. Criteria: Invitae Variant Classification Sherloc (09022015). Collection method: clinical testing. Allele origin: germline.
Comment: This variant, c.695_696insGGGCCC, results in the insertion of 2 amino acid(s) of the SMARCA4 protein (p.Gly243_Pro244dup), but otherwise preserves the integrity of the reading frame. This variant is not present in population databases (gnomAD no frequency). This variant has not been reported in the literature in individuals affected with SMARCA4-related conditions. ClinVar contains an entry for this variant (Variation ID: 470450). Experimental studies and prediction algorithms are not available or were not evaluated, and the functional significance of this variant is currently unknown. In summary, the available evidence is currently insufficient to determine the role of this variant in disease. Therefore, it has been classified as a Variant of Uncertain Significance.

Ambry Genetics
Classification: Likely benign for Hereditary cancer-predisposing syndrome. Last evaluated: 2021-01-25. Review status: criteria provided, single submitter. Criteria: Ambry Variant Classification Scheme 2023. Collection method: clinical testing. Allele origin: germline.